The following is an entry in ClinVar:

NM_017636.4(TRPM4):c.3170A>G (p.Tyr1057Cys)

Gene: TRPM4 (transient receptor potential cation channel subfamily M member 4; plus strand). Cytogenetic location: 19q13.33.
Variant type: single nucleotide variant.
Coding change: c.3170A>G on transcript NM_017636.4 (MANE Select); coding-DNA position 3170, A replaced by G.
Protein change: p.Tyr1057Cys; replaces tyrosine 1057 with cysteine.
Molecular consequence: missense variant.
Genome position (GRCh38, 1-based): chr19:49,210,247, A>G. VCF-style: chr19-49210247-A-G. GRCh37 (hg19) VCF-style: chr19-49713504-A-G.
Other names: c.2735A>G, p.Tyr912Cys (NM_001195227.2); c.2825A>G, p.Tyr942Cys (NM_001321281.2); c.1562A>G, p.Tyr521Cys (NM_001321282.2); c.2648A>G, p.Tyr883Cys (NM_001321283.2); c.2108A>G, p.Tyr703Cys (NM_001321285.2); c.3170A>G (NM_017636.3); short protein forms Y521C, Y703C, Y883C, Y1057C, Y912C, Y942C.
Identifiers: ClinVar variation 2079293 (VCV002079293.6), dbSNP rs762071563, ClinGen allele CA9569803.

ClinVar aggregate classification (germline): Uncertain significance. Review status: criteria provided, multiple submitters, no conflicts (2 of 4 stars). 3 submissions from 3 submitters: Uncertain significance (3). Last evaluated 2025-05-12.

Conditions:
Progressive familial heart block type IB (PFHB1B). Identifiers: Orphanet 871, MedGen C1970298, MONDO:0011474, OMIM 604559.
Cardiovascular phenotype. Identifiers: MedGen CN230736.

Allele frequency attached by ClinVar (database versions not stated): gnomAD exomes below 0.00001; TOPMed below 0.00001; ExAC 0.00001.
gnomAD v4.1: 1 of 1,614,186 alleles (0.000062%); highest among the groups gnomAD compares: Non-Finnish European, 0.000085%; no homozygotes.

Submissions (3):

Labcorp Genetics (formerly Invitae), Labcorp
Classification: Uncertain significance for Progressive familial heart block type IB. Last evaluated: 2025-05-12. Review status: criteria provided, single submitter. Criteria: Invitae Variant Classification Sherloc (09022015). Collection method: clinical testing. Allele origin: germline.
Comment: This sequence change replaces tyrosine, which is neutral and polar, with cysteine, which is neutral and slightly polar, at codon 1057 of the TRPM4 protein (p.Tyr1057Cys). This variant is present in population databases (rs762071563, gnomAD 0.0009%). This variant has not been reported in the literature in individuals affected with TRPM4-related conditions. ClinVar contains an entry for this variant (Variation ID: 2079293). An algorithm developed to predict the effect of missense changes on protein structure and function (PolyPhen-2) suggests that this variant is likely to be disruptive. In summary, the available evidence is currently insufficient to determine the role of this variant in disease. Therefore, it has been classified as a Variant of Uncertain Significance.

Blueprint Genetics
Classification: Uncertain significance. Last evaluated: 2024-05-16. Review status: criteria provided, single submitter. Criteria: ACMG Guidelines, 2015. Collection method: clinical testing. Allele origin: germline.

Ambry Genetics
Classification: Uncertain significance for Cardiovascular phenotype. Last evaluated: 2024-04-26. Review status: criteria provided, single submitter. Criteria: Ambry Variant Classification Scheme 2023. Collection method: clinical testing. Allele origin: germline.
Comment: The p.Y1057C variant (also known as c.3170A>G), located in coding exon 21 of the TRPM4 gene, results from an A to G substitution at nucleotide position 3170. The tyrosine at codon 1057 is replaced by cysteine, an amino acid with highly dissimilar properties. This alteration has been reported in a ventricular fibrillation cohort (Steinberg C et al. Eur Heart J, 2021 Jul;42:2827-2838). This amino acid position is well conserved in available vertebrate species. In addition, the in silico prediction for this alteration is inconclusive. Based on the available evidence, the clinical significance of this variant remains unclear.

Literature cited by the submitters: PubMed 34010395 (cited by Ambry Genetics).